The following is an entry in ClinVar:

ClinVar aggregate classification (germline): Uncertain significance (1 of 4 stars; one submission).

Conditions:
Infantile myofibromatosis (IMF). Also called: Congenital generalized fibromatosis. Identifiers: Orphanet 2591, MedGen C0432284, MONDO:0016824.
Skeletal overgrowth-craniofacial dysmorphism-hyperelastic skin-white matter lesions syndrome. Also called: SKELETAL OVERGROWTH WITH FACIAL DYSMORPHISM, HYPERELASTIC SKIN, WHITE MATTER LESIONS, AND NEUROLOGIC DETERIORATION; Kosaki overgrowth syndrome. Identifiers: Orphanet 477831, MedGen C4225270, MONDO:0014704, OMIM 616592.
Acroosteolysis-keloid-like lesions-premature aging syndrome. Also called: Premature aging syndrome, Penttinen type; Prematurely aged appearance, delayed bone maturation, acro-osteolysis, and brachydactyly; Progeroid syndrome, Penttinen type. Identifiers: Orphanet 363665, MedGen C1866182, MONDO:0011150, OMIM 601812.
Basal ganglia calcification, idiopathic, 4 (PFBC4). Also called: Familial Idiopathic Basal Ganglia Calcification 4; PRIMARY FAMILIAL BRAIN CALCIFICATION 4, AUTOSOMAL DOMINANT. Identifiers: Orphanet 1980, MedGen C3554321, MONDO:0014004, OMIM 615007.

Submission:

Labcorp Genetics (formerly Invitae), Labcorp
Classification: Uncertain significance for Basal ganglia calcification, idiopathic, 4; Skeletal overgrowth-craniofacial dysmorphism-hyperelastic skin-white matter lesions syndrome; Infantile myofibromatosis; Acroosteolysis-keloid-like lesions-premature aging syndrome. Last evaluated: 2024-02-25. Review status: criteria provided, single submitter. Criteria: Invitae Variant Classification Sherloc (09022015). Collection method: clinical testing. Allele origin: germline.
Comment: This sequence change replaces tyrosine, which is neutral and polar, with serine, which is neutral and polar, at codon 970 of the PDGFRB protein (p.Tyr970Ser). This variant is not present in population databases (gnomAD no frequency). This variant has not been reported in the literature in individuals affected with PDGFRB-related conditions. ClinVar contains an entry for this variant (Variation ID: 2015276). Advanced modeling of protein sequence and biophysical properties (such as structural, functional, and spatial information, amino acid conservation, physicochemical variation, residue mobility, and thermodynamic stability) has been performed at Invitae for this missense variant, however the output from this modeling did not meet the statistical confidence thresholds required to predict the impact of this variant on PDGFRB protein function. In summary, the available evidence is currently insufficient to determine the role of this variant in disease. Therefore, it has been classified as a Variant of Uncertain Significance.

NM_002609.4(PDGFRB):c.2909A>C (p.Tyr970Ser)

Gene: PDGFRB (platelet derived growth factor receptor beta; minus strand). Cytogenetic location: 5q32.
Variant type: single nucleotide variant.
Coding change: c.2909A>C on transcript NM_002609.4 (MANE Select); coding-DNA position 2909, A replaced by C.
Protein change: p.Tyr970Ser; replaces tyrosine 970 with serine.
Molecular consequence: missense variant.
Genome position (GRCh38, 1-based): chr5:150,117,846, T>G on the plus strand (A>C on the coding strand, the complement: PDGFRB is on the minus strand). VCF-style: chr5-150117846-T-G. GRCh37 (hg19) VCF-style: chr5-149497409-T-G.
Other names: c.2717A>C, p.Tyr906Ser (NM_001355016.2); c.2426A>C, p.Tyr809Ser (NM_001355017.2); short protein forms Y809S, Y970S, Y906S.
Identifiers: ClinVar variation 2015276 (VCV002015276.4), dbSNP rs150600919, ClinGen allele CA361756657.
Genomic context (GRCh38, chr5:150,117,846, plus strand): 5'-GCCTGGGACCGAAGGATGGCTGGGTGGTCACTCCTCAGAAACTCCTCATCCACCTGCTGG[T>G]ACTTCTGCTCCCGGGGCAGGGAGAACCAAAGAAACAGGGATGGTCAGGCCAGAAATGCCT-3'
Protein context (NP_002600.1, residues 960-980): RLLGEGYKKK[Tyr970Ser]QQVDEEFLRS